The following is an entry in ClinVar:

NM_004320.6(ATP2A1):c.272C>T (p.Pro91Leu)

Gene: ATP2A1 (ATPase sarcoplasmic/endoplasmic reticulum Ca2+ transporting 1; plus strand). Cytogenetic location: 16p11.2.
Variant type: single nucleotide variant.
Coding change: c.272C>T on transcript NM_004320.6 (MANE Select); coding-DNA position 272, C replaced by T.
Protein change: p.Pro91Leu; replaces proline 91 with leucine.
Molecular consequence: missense variant. On other transcripts: 5 prime UTR variant (1).
Genome position (GRCh38, 1-based): chr16:28,880,967, C>T. VCF-style: chr16-28880967-C-T. GRCh37 (hg19) VCF-style: chr16-28892288-C-T.
Other names: c.-104C>T (NM_001286075.2); c.272C>T, p.Pro91Leu (NM_173201.5); short protein forms P91L.
Identifiers: ClinVar variation 387884 (VCV000387884.8), dbSNP rs1057522931, ClinGen allele CA16607253.

ClinVar aggregate classification (germline): Conflicting classifications of pathogenicity. Review status: criteria provided, conflicting classifications (1 of 4 stars). 2 submissions from 2 submitters: Likely pathogenic (1); Uncertain significance (1). Last evaluated 2025-06-27.

Conditions:
Brody myopathy. Also called: BRODY DISEASE. Identifiers: Orphanet 53347, MedGen C1832918, MONDO:0010977, OMIM 601003.

Submissions (2):

GeneDx
Classification: Likely pathogenic. Last evaluated: 2025-06-27. Review status: criteria provided, single submitter. Criteria: GeneDx Variant Classification Process June 2021. Collection method: clinical testing. Allele origin: germline. Affected: yes.
Comment: Not observed at significant frequency in large population cohorts (gnomAD); In silico analysis supports that this missense variant has a deleterious effect on protein structure/function; Has not been previously published as pathogenic or benign to our knowledge

Illumina Laboratory Services, Illumina
Classification: Uncertain significance for Brody myopathy. Last evaluated: 2017-04-27. Review status: criteria provided, single submitter. Criteria: ICSL Variant Classification Criteria 13 December 2019. Collection method: clinical testing. Allele origin: germline.